The following is an entry in ClinVar:

NM_017617.5(NOTCH1):c.2186C>T (p.Ala729Val)

Gene: NOTCH1 (notch receptor 1; minus strand). Cytogenetic location: 9q34.3.
Variant type: single nucleotide variant.
Coding change: c.2186C>T on transcript NM_017617.5 (MANE Select); coding-DNA position 2186, C replaced by T.
Protein change: p.Ala729Val; replaces alanine 729 with valine.
Molecular consequence: missense variant.
Genome position (GRCh38, 1-based): chr9:136,514,531, G>A on the plus strand (C>T on the coding strand, the complement: NOTCH1 is on the minus strand). VCF-style: chr9-136514531-G-A. GRCh37 (hg19) VCF-style: chr9-139408983-G-A.
Other names: short protein forms A729V.
Identifiers: ClinVar variation 953280 (VCV000953280.9), dbSNP rs1843231402, ClinGen allele CA375558548.
Genomic context (GRCh38, chr9:136,514,531, plus strand): 5'-TAGGACTGATGTGTCCCCATGATCGGCCCCGCCGCATACCCGTTGAGGCTGTCCCGGCAG[G>A]CCCCGTGGACGCAGGGGTTGCTGTTGCACTCATTGACCTCAGACAGGCAGGTGGGGTCGT-3'
Protein context (NP_060087.3, residues 719-739): ECNSNPCVHG[Ala729Val]CRDSLNGYKC

ClinVar aggregate classification (germline): Uncertain significance (1 of 4 stars; one submission).

Conditions:
Adams-Oliver syndrome 5 (AOS5). Identifiers: Orphanet 974, MedGen C4014970, MONDO:0014459, OMIM 616028.

Allele frequency attached by ClinVar (database versions not stated): gnomAD exomes below 0.00001; TOPMed 0.00001.
gnomAD v4.1: 2 of 1,592,166 alleles (0.00013%); highest among the groups gnomAD compares: Non-Finnish European, 0.00017%; no homozygotes.

Submission:

Labcorp Genetics (formerly Invitae), Labcorp
Classification: Uncertain significance for Adams-Oliver syndrome 5. Last evaluated: 2019-08-08. Review status: criteria provided, single submitter. Criteria: Invitae Variant Classification Sherloc (09022015). Collection method: clinical testing. Allele origin: germline.
Comment: In summary, the available evidence is currently insufficient to determine the role of this variant in disease. Therefore, it has been classified as a Variant of Uncertain Significance. Algorithms developed to predict the effect of missense changes on protein structure and function output the following: SIFT: "Tolerated"; PolyPhen-2: "Benign"; Align-GVGD: "Class C0". The valine amino acid residue is found in multiple mammalian species, suggesting that this missense change does not adversely affect protein function. These predictions have not been confirmed by published functional studies and their clinical significance is uncertain. This variant has not been reported in the literature in individuals with NOTCH1-related conditions. This variant is not present in population databases (ExAC no frequency). This sequence change replaces alanine with valine at codon 729 of the NOTCH1 protein (p.Ala729Val). The alanine residue is weakly conserved and there is a small physicochemical difference between alanine and valine.